The following is an entry in ClinVar:

NM_019109.5(ALG1):c.823G>C (p.Glu275Gln)

Gene: ALG1 (ALG1 chitobiosyldiphosphodolichol beta-mannosyltransferase; plus strand). Cytogenetic location: 16p13.3.
Variant type: single nucleotide variant.
Coding change: c.823G>C on transcript NM_019109.5 (MANE Select); coding-DNA position 823, G replaced by C.
Protein change: p.Glu275Gln; replaces glutamic acid 275 with glutamine.
Molecular consequence: missense variant.
Genome position (GRCh38, 1-based): chr16:5,078,839, G>C. VCF-style: chr16-5078839-G-C. GRCh37 (hg19) VCF-style: chr16-5128840-G-C.
Other names: c.490G>C, p.Glu164Gln (NM_001330504.2); short protein forms E275Q, E164Q.
Identifiers: ClinVar variation 2005131 (VCV002005131.4), dbSNP rs1372794201, ClinGen allele CA394681821.
Genomic context (GRCh38, chr16:5,078,839, plus strand): 5'-ACGGAGCGGTCGGCCTTCACGGAGCGGGATGCTGGGAGCGGGCTGGTGACGCGTCTCCGT[G>C]AGCGGCCAGCCCTGCTGGTCAGCAGCACGAGCTGGACAGGTCTGCAGGACCCCTGGGGCA-3'
Protein context (NP_061982.3, residues 265-285): AGSGLVTRLR[Glu275Gln]RPALLVSSTS

ClinVar aggregate classification (germline): Uncertain significance (1 of 4 stars; one submission).

Conditions:
ALG1-congenital disorder of glycosylation. Also called: ALG1-CDG; CDG Ik; CONGENITAL DISORDER OF GLYCOSYLATION, TYPE Ik. Identifiers: Orphanet 79327, MedGen C2931005, MONDO:0012052, OMIM 608540.

Submission:

Labcorp Genetics (formerly Invitae), Labcorp
Classification: Uncertain significance for ALG1-congenital disorder of glycosylation. Last evaluated: 2024-09-30. Review status: criteria provided, single submitter. Criteria: Invitae Variant Classification Sherloc (09022015). Collection method: clinical testing. Allele origin: germline.
Comment: This sequence change replaces glutamic acid, which is acidic and polar, with glutamine, which is neutral and polar, at codon 275 of the ALG1 protein (p.Glu275Gln). This variant is not present in population databases (gnomAD no frequency). This variant has not been reported in the literature in individuals affected with ALG1-related conditions. ClinVar contains an entry for this variant (Variation ID: 2005131). Invitae Evidence Modeling of protein sequence and biophysical properties (such as structural, functional, and spatial information, amino acid conservation, physicochemical variation, residue mobility, and thermodynamic stability) indicates that this missense variant is not expected to disrupt ALG1 protein function with a negative predictive value of 80%. In summary, the available evidence is currently insufficient to determine the role of this variant in disease. Therefore, it has been classified as a Variant of Uncertain Significance.